The following is an entry in ClinVar:

ClinVar aggregate classification (germline): Likely benign (0 of 4 stars; one submission).

Conditions:
DISC1-related disorder. Also called: DISC1-related condition.

Allele frequency attached by ClinVar (database versions not stated): gnomAD exomes 0.00015; ExAC 0.00020; TOPMed 0.00166; 1000 Genomes Project 30x 0.00234; 1000 Genomes Project 0.00280.
gnomAD v4.1: 450 of 1,504,390 alleles (0.03%); highest among the groups gnomAD compares: African/African-American, 0.6%; 3 homozygotes.

Submission:

PreventionGenetics, part of Exact Sciences
Classification: Likely benign for DISC1-related condition. Last evaluated: 2023-12-28. Review status: no assertion criteria provided. Collection method: clinical testing. Allele origin: germline.
Comment: This variant is classified as likely benign based on ACMG/AMP sequence variant interpretation guidelines (Richards et al. 2015 PMID: 25741868, with internal and published modifications).

NM_018662.3(DISC1):c.67+4G>A

Genes: DISC1 (DISC1 scaffold protein; plus strand), TSNAX-DISC1 (TSNAX-DISC1 readthrough (NMD candidate); plus strand), LOC129932771 (ATAC-STARR-seq lymphoblastoid silent region 1954; plus strand). Cytogenetic location: 1q42.2.
Variant type: single nucleotide variant.
Coding change: c.67+4G>A on transcript NM_018662.3 (MANE Select); 4 bases into the intron after coding-DNA position 67, G replaced by A.
Molecular consequence: intron variant.
Genome position (GRCh38, 1-based): chr1:231,626,938, G>A. VCF-style: chr1-231626938-G-A. GRCh37 (hg19) VCF-style: chr1-231762684-G-A.
Other names: c.67+4G>A (NM_001164537.2, NM_001012957.2, NM_001164540.2 and 19 more transcripts).
Identifiers: ClinVar variation 3051392 (VCV003051392.2), dbSNP rs535608432, ClinGen allele CA1453510.